The following is an entry in ClinVar:

ClinVar aggregate classification (germline): Pathogenic (1 of 4 stars; one submission).

Conditions:
Galactosylceramide beta-galactosidase deficiency. Also called: Leukodystrophy, Globoid Cell; GALACTOCEREBROSIDASE DEFICIENCY; GALC DEFICIENCY; GLOBOID CELL LEUKOENCEPHALOPATHY; Krabbe Disease. Identifiers: Orphanet 487, MedGen C0023521, MONDO:0009499, OMIM 245200.

Allele frequency attached by ClinVar (database versions not stated): gnomAD exomes below 0.00001; TOPMed below 0.00001.
gnomAD v4.1: 3 of 1,578,408 alleles (0.00019%); highest among the groups gnomAD compares: Admixed American, 0.005%; no homozygotes.

Submission:

Labcorp Genetics (formerly Invitae), Labcorp
Classification: Pathogenic for Galactosylceramide beta-galactosidase deficiency. Last evaluated: 2025-11-02. Review status: criteria provided, single submitter. Criteria: Invitae Variant Classification Sherloc (09022015). Collection method: clinical testing. Allele origin: germline.
Comment: This sequence change affects an acceptor splice site in intron 5 of the GALC gene. It is expected to disrupt RNA splicing. Variants that disrupt the donor or acceptor splice site typically lead to a loss of protein function (PMID: 16199547), and loss-of-function variants in GALC are known to be pathogenic (PMID: 7437911, 9272171, 16607461). This variant is present in population databases (no rsID available, gnomAD 0.009%). Disruption of this splice site has been observed in individuals with Krabbe disease (PMID: 26108647, 26795590). ClinVar contains an entry for this variant (Variation ID: 1972333). Algorithms developed to predict the effect of sequence changes on RNA splicing suggest that this variant may disrupt the consensus splice site. For these reasons, this variant has been classified as Pathogenic.

Literature cited by the submitters: PubMed 16199547; PubMed 7437911; PubMed 9272171; PubMed 16607461; PubMed 26108647; PubMed 26795590.

NM_000153.4(GALC):c.583-2A>G

Gene: GALC (galactosylceramidase; minus strand). Cytogenetic location: 14q31.3.
Variant type: single nucleotide variant.
Coding change: c.583-2A>G on transcript NM_000153.4 (MANE Select); the canonical splice acceptor site of the intron before coding-DNA position 583, A replaced by G.
Molecular consequence: splice acceptor variant.
Genome position (GRCh38, 1-based): chr14:87,982,245, T>C on the plus strand (A>G on the coding strand, the complement: GALC is on the minus strand). VCF-style: chr14-87982245-T-C. GRCh37 (hg19) VCF-style: chr14-88448589-T-C.
Other names: c.505-2A>G (NM_001201402.2); c.514-2A>G (NM_001201401.2).
Identifiers: ClinVar variation 1972333 (VCV001972333.5), dbSNP rs1217317914, ClinGen allele CA390750902.